The following is an entry in ClinVar:

NM_012268.4(PLD3):c.25dup (p.Glu9fs)

Gene: PLD3 (phospholipase D family member 3; plus strand). Cytogenetic location: 19q13.2.
Variant type: Duplication.
Coding change: c.25dup on transcript NM_012268.4 (MANE Select); coding-DNA position 25, one base duplicated (G; older notation c.25dupG).
Protein change: p.Glu9fs; shifts the reading frame from glutamic acid 9.
Molecular consequence: frameshift variant.
Genome position (GRCh38, 1-based): chr19:40,366,508, G duplicated; the last of 2 consecutive G bases (chr19:40,366,507-40,366,508); duplicating either gives the same sequence. VCF-style (leftmost placement, unchanged base first): chr19-40366506-A-AG. GRCh37 (hg19) VCF-style: chr19-40872413-A-AG.
Other names: c.25dup, p.Glu9fs (NM_001031696.4, NM_001291311.2); short protein forms E9fs.
Identifiers: ClinVar variation 1879438 (VCV001879438.29), dbSNP rs2145685248, ClinGen allele CA2580097249.

ClinVar aggregate classification (germline): Uncertain significance (1 of 4 stars; one submission).

Submission:

CeGaT Center for Human Genetics Tuebingen
Classification: Uncertain significance. Last evaluated: 2022-12-01. Review status: criteria provided, single submitter. Criteria: CeGaT Center For Human Genetics Tuebingen Variant Classification Criteria Version 2. Collection method: clinical testing. Allele origin: germline. Affected: yes. Observed: 1 variant allele.
Comment: PLD3: PM2, PP4